The following is an entry in ClinVar:

ClinVar aggregate classification (germline): Uncertain significance. Review status: criteria provided, multiple submitters, no conflicts (2 of 4 stars). 3 submissions from 3 submitters: Uncertain significance (3). Last evaluated 2025-11-17.

Conditions:
Cowden syndrome (CS). Also called: Cowden's disease; Cowden's syndrome; Cowden disease. Identifiers: Orphanet 201, MedGen C0018553, MONDO:0016063. Disease mechanism: gain of function.
Inborn genetic diseases. Identifiers: MedGen C0950123, MeSH D030342.

Allele frequency attached by ClinVar (database versions not stated): gnomAD exomes below 0.00001.
gnomAD v4.1: 2 of 1,613,308 alleles (0.00012%); highest among the groups gnomAD compares: Non-Finnish European, 0.00017%; no homozygotes.

Submissions (3):

Labcorp Genetics (formerly Invitae), Labcorp
Classification: Uncertain significance for Cowden syndrome. Last evaluated: 2025-11-17. Review status: criteria provided, single submitter. Criteria: Invitae Variant Classification Sherloc (09022015). Collection method: clinical testing. Allele origin: germline.
Comment: This sequence change replaces asparagine, which is neutral and polar, with serine, which is neutral and polar, at codon 853 of the PIK3CA protein (p.Asn853Ser). This variant is not present in population databases (gnomAD no frequency). This variant has not been reported in the literature in individuals affected with PIK3CA-related conditions. ClinVar contains an entry for this variant (Variation ID: 962585). Invitae Evidence Modeling of protein sequence and biophysical properties (such as structural, functional, and spatial information, amino acid conservation, physicochemical variation, residue mobility, and thermodynamic stability) has been performed for this missense variant. However, the output from this modeling did not meet the statistical confidence thresholds required to predict the impact of this variant on PIK3CA protein function. In summary, the available evidence is currently insufficient to determine the role of this variant in disease. Therefore, it has been classified as a Variant of Uncertain Significance.

Ambry Genetics
Classification: Uncertain significance for Inborn genetic diseases. Last evaluated: 2025-09-26. Review status: criteria provided, single submitter. Criteria: Ambry Variant Classification Scheme 2023. Collection method: clinical testing. Allele origin: germline.

GeneDx
Classification: Uncertain significance. Last evaluated: 2025-05-12. Review status: criteria provided, single submitter. Criteria: GeneDx Variant Classification Process June 2021. Collection method: clinical testing. Allele origin: germline. Affected: yes.
Comment: Not observed at significant frequency in large population cohorts (gnomAD); In silico analysis supports that this missense variant has a deleterious effect on protein structure/function; Has not been previously published as pathogenic or benign to our knowledge

NM_006218.4(PIK3CA):c.2558A>G (p.Asn853Ser)

Gene: PIK3CA (phosphatidylinositol-4,5-bisphosphate 3-kinase catalytic subunit alpha; plus strand). Cytogenetic location: 3q26.32.
Variant type: single nucleotide variant.
Coding change: c.2558A>G on transcript NM_006218.4 (MANE Select); coding-DNA position 2558, A replaced by G.
Protein change: p.Asn853Ser; replaces asparagine 853 with serine.
Molecular consequence: missense variant.
Genome position (GRCh38, 1-based): chr3:179,229,334, A>G. VCF-style: chr3-179229334-A-G. GRCh37 (hg19) VCF-style: chr3-178947122-A-G.
Other names: short protein forms N853S.
Identifiers: ClinVar variation 962585 (VCV000962585.13), dbSNP rs1725159134, ClinGen allele CA355277906.